The following is an entry in ClinVar:

ClinVar aggregate classification (germline): Uncertain significance. Review status: criteria provided, multiple submitters, no conflicts (2 of 4 stars). 2 submissions from 2 submitters: Uncertain significance (2). Last evaluated 2023-11-13.

Allele frequency attached by ClinVar (database versions not stated): gnomAD exomes below 0.00001.
gnomAD v4.1: 2 of 1,613,968 alleles (0.00012%); highest among the groups gnomAD compares: Admixed American, 0.0033%; no homozygotes.

Submissions (2):

Labcorp Genetics (formerly Invitae), Labcorp
Classification: Uncertain significance. Last evaluated: 2023-11-13. Review status: criteria provided, single submitter. Criteria: Invitae Variant Classification Sherloc (09022015). Collection method: clinical testing. Allele origin: germline.
Comment: This sequence change replaces glycine, which is neutral and non-polar, with valine, which is neutral and non-polar, at codon 2068 of the VCAN protein (p.Gly2068Val). This variant is present in population databases (no rsID available, gnomAD 0.003%). This variant has not been reported in the literature in individuals affected with VCAN-related conditions. ClinVar contains an entry for this variant (Variation ID: 1480676). Algorithms developed to predict the effect of missense changes on protein structure and function output the following: SIFT: "Not Available"; PolyPhen-2: "Benign"; Align-GVGD: "Not Available". The valine amino acid residue is found in multiple mammalian species, which suggests that this missense change does not adversely affect protein function. In summary, the available evidence is currently insufficient to determine the role of this variant in disease. Therefore, it has been classified as a Variant of Uncertain Significance.

Blueprint Genetics
Classification: Uncertain significance. Last evaluated: 2019-10-16. Review status: criteria provided, single submitter. Criteria: ACMG Guidelines, 2015. Collection method: clinical testing. Allele origin: germline.

NM_004385.5(VCAN):c.6203G>T (p.Gly2068Val)

Genes: VCAN (versican; plus strand), VCAN-AS1 (VCAN antisense RNA 1; minus strand). Cytogenetic location: 5q14.3.
Variant type: single nucleotide variant.
Coding change: c.6203G>T on transcript NM_004385.5 (MANE Select); coding-DNA position 6203, G replaced by T.
Protein change: p.Gly2068Val; replaces glycine 2068 with valine.
Molecular consequence: missense variant. On other transcripts: intron variant (2).
Genome position (GRCh38, 1-based): chr5:83,539,206, G>T. VCF-style: chr5-83539206-G-T. GRCh37 (hg19) VCF-style: chr5-82835025-G-T.
Other names: c.3242G>T, p.Gly1081Val (NM_001164097.2); c.4004-6331G>T (NM_001164098.2); c.1043-6331G>T (NM_001126336.3); short protein forms G2068V, G1081V.
Identifiers: ClinVar variation 1480676 (VCV001480676.9), dbSNP rs1231330627, ClinGen allele CA360312035.